The following is an entry in ClinVar:

NM_001099922.3(ALG13):c.931A>G (p.Asn311Asp)

Gene: ALG13 (ALG13 UDP-N-acetylglucosaminyltransferase subunit; plus strand). Cytogenetic location: Xq23.
Variant type: single nucleotide variant.
Coding change: c.931A>G on transcript NM_001099922.3 (MANE Select); coding-DNA position 931, A replaced by G.
Protein change: p.Asn311Asp; replaces asparagine 311 with aspartic acid.
Molecular consequence: missense variant.
Genome position (GRCh38, 1-based): chrX:111,712,529, A>G. VCF-style: chrX-111712529-A-G. GRCh37 (hg19) VCF-style: chrX-110955757-A-G.
Other names: c.619A>G, p.Asn207Asp (NM_001257230.2, NM_001257234.2, NM_001257237.2 and 1 more transcripts); c.697A>G, p.Asn233Asp (NM_001257231.2); c.931A>G, p.Asn311Asp (NM_001324292.2); short protein forms N207D, N233D, N311D.
Identifiers: ClinVar variation 2577726 (VCV002577726.2), dbSNP rs1939944911, ClinGen allele CA414250441.
Genomic context (GRCh38, chrX:111,712,529, plus strand): 5'-ACTATTTATGTTTAGGAAAGTGCTGGCCAGCTGGAAATAAGAGCTCTTTCTCTAATTTAT[A>G]AGTAAGTTATATCCTCTTTTCTTTGAGAGTGGGTATGTGCATGCATGTGTGTATAAGATC-3'
Protein context (NP_001093392.1, residues 301-321): LEIRALSLIY[Asn311Asp]RDFILYRFPG

ClinVar aggregate classification (germline): Uncertain significance (1 of 4 stars; one submission).

Submission:

GeneDx
Classification: Uncertain significance. Last evaluated: 2025-08-12. Review status: criteria provided, single submitter. Criteria: GeneDx Variant Classification Process June 2021. Collection method: clinical testing. Allele origin: germline.
Comment: Not observed at significant frequency in large population cohorts (gnomAD); In silico analysis suggests that this missense variant does not alter protein structure/function; Has not been previously published as pathogenic or benign to our knowledge